The following is an entry in ClinVar:

ClinVar aggregate classification (germline): Conflicting classifications of pathogenicity. Review status: criteria provided, conflicting classifications (1 of 4 stars). 8 submissions from 8 submitters: Uncertain significance (6); Likely benign (1). 1 of the submissions does not count toward it. Last evaluated 2025-08-10.

Conditions:
ATM-related disorder. Also called: ATM-related disorders; ATM-related condition.
Hereditary cancer-predisposing syndrome. Also called: Neoplastic Syndromes, Hereditary; Hereditary neoplastic syndrome; Tumor predisposition; Hereditary Cancer Syndrome. Identifiers: Orphanet 140162, MedGen C0027672, MeSH D009386, MONDO:0015356.
Familial cancer of breast. Also called: hereditary breast carcinoma; Hereditary breast cancer; BREAST CANCER, FAMILIAL. Identifiers: Orphanet 227535, MedGen C0346153, MONDO:0016419, OMIM 114480. Disease mechanism: loss of function.
Ataxia-telangiectasia syndrome (AT). Also called: Ataxia telangiectasia (A-T); Cerebello-oculocutaneous telangiectasia; Immunodeficiency with ataxia telangiectasia; LOUIS-BAR SYNDROME; AT, COMPLEMENTATION GROUP C; ATAXIA-TELANGIECTASIA, FRESNO VARIANT. Identifiers: Orphanet 100, MedGen C0004135, MONDO:0008840, OMIM 208900.

Allele frequency attached by ClinVar (database versions not stated): gnomAD 0.00001; TOPMed 0.00001; gnomAD exomes 0.00001.
gnomAD v4.1: 11 of 1,613,794 alleles (0.00068%); highest among the groups gnomAD compares: South Asian, 0.0044%; no homozygotes.

Submissions (8):

Labcorp Genetics (formerly Invitae), Labcorp
Classification: Uncertain significance for Ataxia-telangiectasia syndrome. Last evaluated: 2025-08-10. Review status: criteria provided, single submitter. Criteria: Invitae Variant Classification Sherloc (09022015). Collection method: clinical testing. Allele origin: germline.
Comment: This sequence change replaces arginine, which is basic and polar, with histidine, which is basic and polar, at codon 2691 of the ATM protein (p.Arg2691His). This variant is present in population databases (no rsID available, gnomAD 0.003%). This missense change has been observed in individual(s) with prostate cancer (PMID: 33436325). ClinVar contains an entry for this variant (Variation ID: 230098). Invitae Evidence Modeling of protein sequence and biophysical properties (such as structural, functional, and spatial information, amino acid conservation, physicochemical variation, residue mobility, and thermodynamic stability) indicates that this missense variant is not expected to disrupt ATM protein function with a negative predictive value of 95%. In summary, the available evidence is currently insufficient to determine the role of this variant in disease. Therefore, it has been classified as a Variant of Uncertain Significance.

Color Diagnostics, LLC DBA Color Health
Classification: Uncertain significance for Hereditary cancer-predisposing syndrome. Last evaluated: 2025-01-21. Review status: criteria provided, single submitter. Criteria: ACMG Guidelines, 2015. Collection method: clinical testing. Allele origin: germline.
Comment: This missense variant replaces arginine with histidine at codon 2691 of the ATM protein. Computational prediction suggests that this variant may not impact protein structure and function. To our knowledge, functional studies have not been reported for this variant. In a large international case-control study, this variant was reported in 1/60465 breast cancer cases and absent in 53461 controls (PMID: 33471991). This variant has been identified in 2/251206 chromosomes in the general population by the Genome Aggregation Database (gnomAD). The available evidence is insufficient to determine the role of this variant in disease conclusively. Therefore, this variant is classified as a Variant of Uncertain Significance.

Baylor Genetics
Classification: Uncertain significance for Familial cancer of breast. Last evaluated: 2024-03-05. Review status: criteria provided, single submitter. Criteria: ACMG Guidelines, 2015. Collection method: clinical testing. Allele origin: unknown.

Ambry Genetics
Classification: Likely benign for Hereditary cancer-predisposing syndrome. Last evaluated: 2023-11-30. Review status: criteria provided, single submitter. Criteria: Ambry Variant Classification Scheme 2023. Collection method: clinical testing. Allele origin: germline.

PreventionGenetics, part of Exact Sciences
Classification: Uncertain significance for ATM-related condition. Last evaluated: 2023-04-11. Review status: criteria provided, single submitter. Criteria: ACMG Guidelines, 2015. Collection method: clinical testing. Allele origin: germline.
Comment: The ATM c.8072G>A variant is predicted to result in the amino acid substitution p.Arg2691His. This variant was reported in an individual with prostate cancer (Table S4 - Karlsson et al. 2021. PubMed ID: 33436325). This variant is reported in 0.0033% of alleles in individuals of South Asian descent in gnomAD and has been interpreted as uncertain in ClinVar. At this time, the clinical significance of this variant is uncertain due to the absence of conclusive functional and genetic evidence.

GeneDx
Classification: Uncertain significance. Last evaluated: 2018-11-29. Review status: criteria provided, single submitter. Criteria: GeneDx Variant Classification (06012015). Collection method: clinical testing. Allele origin: germline. Affected: yes.
Comment: This variant is denoted ATM c.8072G>A at the cDNA level, p.Arg2691His (R2691H) at the protein level, and results in the change of an Arginine to a Histidine (CGC>CAC). This variant has not, to our knowledge, been published in the literature as a pathogenic or benign germline variant. ATM Arg2691His was not observed at a significant allele frequency in large population cohorts (Lek 2016). This variant is not located in a known functional domain. In silico analysis, which includes protein predictors and evolutionary conservation, supports that this variant does not alter protein structure/function. Based on currently available evidence, it is unclear whether ATM Arg2691His is a pathogenic or benign variant. We consider it to be a variant of uncertain significance.

Fulgent Genetics
Classification: Uncertain significance for Familial cancer of breast; Ataxia-telangiectasia syndrome. Last evaluated: 2018-10-31. Review status: criteria provided, single submitter. Criteria: ACMG Guidelines, 2015. Collection method: clinical testing. Allele origin: unknown.

Natera, Inc.
Classification: Uncertain significance for Ataxia-telangiectasia. Last evaluated: 2020-11-19. Review status: no assertion criteria provided. Collection method: clinical testing. Allele origin: germline. Not counted in ClinVar's aggregate classification.

Literature cited by the submitters: PubMed 33436325 (cited by Labcorp Genetics (formerly Invitae), Labcorp); PubMed 33471991 (cited by Color Diagnostics, LLC DBA Color Health).

NM_000051.4(ATM):c.8072G>A (p.Arg2691His)

Genes: ATM (ATM serine/threonine kinase; plus strand), C11orf65 (chromosome 11 open reading frame 65; minus strand). Cytogenetic location: 11q22.3.
Variant type: single nucleotide variant.
Coding change: c.8072G>A on transcript NM_000051.4 (MANE Select); coding-DNA position 8072, G replaced by A.
Protein change: p.Arg2691His; replaces arginine 2691 with histidine.
Molecular consequence: missense variant. On other transcripts: intron variant (2).
Genome position (GRCh38, 1-based): chr11:108,335,030, G>A. VCF-style: chr11-108335030-G-A. GRCh37 (hg19) VCF-style: chr11-108205757-G-A.
Other names: c.8072G>A, p.Arg2691His (NM_001351834.2); c.641-25959C>T (NM_001330368.2); c.*38+190C>T (NM_001351110.2); short protein forms R2691H.
Identifiers: ClinVar variation 230098 (VCV000230098.29), dbSNP rs876658385, ClinGen allele CA10579281.